The following is an entry in ClinVar:

ClinVar aggregate classification (germline): Uncertain significance. Review status: criteria provided, multiple submitters, no conflicts (2 of 4 stars). 2 submissions from 2 submitters: Uncertain significance (2). Last evaluated 2021-10-04.

Conditions:
Hypertrophic cardiomyopathy 9. Also called: Familial hypertrophic cardiomyopathy 9. Identifiers: MedGen C1861065, MONDO:0013412, OMIM 613765.
Tibial muscular dystrophy (TMD). Also called: UDD MYOPATHY; Udd Distal Myopathy – Tibial Muscular Dystrophy; Tibial muscular dystrophy, tardive. Identifiers: Orphanet 609, MedGen C1838244, MONDO:0010870, OMIM 600334.
Early-onset myopathy with fatal cardiomyopathy (CMYO5). Also called: Salih Myopathy; CONGENITAL MYOPATHY 5 WITH CARDIOMYOPATHY. Identifiers: Orphanet 289377, MedGen C2673677, MONDO:0012714, OMIM 611705. Disease mechanism: loss of function.
Autosomal recessive limb-girdle muscular dystrophy type 2J (LGMDR10). Also called: Limb-girdle muscular dystrophy, type 2J; MUSCULAR DYSTROPHY, LIMB-GIRDLE, AUTOSOMAL RECESSIVE 10. Identifiers: Orphanet 140922, MedGen C1837342, MONDO:0012127, OMIM 608807.
Myopathy, myofibrillar, 9, with early respiratory failure (MFM9). Also called: MYOPATHY, PROXIMAL, WITH EARLY RESPIRATORY MUSCLE INVOLVEMENT; Hereditary myopathy with early respiratory failure; EDSTROM MYOPATHY; Myopathy, distal, with early respiratory failure, autosomal dominant. Identifiers: Orphanet 178464, Orphanet 34521, MedGen C1863599, MONDO:0011362, OMIM 603689.
Dilated cardiomyopathy 1G (CMD1G). Identifiers: Orphanet 154, MedGen C1858763, MONDO:0011400, OMIM 604145.

Allele frequency attached by ClinVar (database versions not stated): TOPMed 0.00001; ExAC 0.00002; gnomAD exomes 0.00002; gnomAD 0.00003.
gnomAD v4.1: 41 of 1,613,172 alleles (0.0025%); highest among the groups gnomAD compares: African/African-American, 0.0053%; no homozygotes.

Submissions (2):

Fulgent Genetics
Classification: Uncertain significance for Tibial muscular dystrophy; Myopathy, myofibrillar, 9, with early respiratory failure; Dilated cardiomyopathy 1G; Autosomal recessive limb-girdle muscular dystrophy type 2J; Early-onset myopathy with fatal cardiomyopathy; Hypertrophic cardiomyopathy 9. Last evaluated: 2021-10-04. Review status: criteria provided, single submitter. Criteria: ACMG Guidelines, 2015. Collection method: clinical testing. Allele origin: unknown.

Women's Health and Genetics/Laboratory Corporation of America, LabCorp
Classification: Uncertain significance. Last evaluated: 2019-09-01. Review status: criteria provided, single submitter. Criteria: LabCorp Variant Classification Summary - May 2015. Collection method: clinical testing. Allele origin: germline.
Comment: Variant summary: TTN c.68384G>A (p.Arg22795His) results in a non-conservative amino acid change located in the A-band region of the encoded protein sequence. Three of five in-silico tools predict a damaging effect of the variant on protein function. The variant allele was found at a frequency of 2e-05 in 247982 control chromosomes. The available data on variant occurrences in the general population are insufficient to allow any conclusion about variant significance. To our knowledge, no occurrence of c.68384G>A in individuals affected with Cardiomyopathy and no experimental evidence demonstrating its impact on protein function have been reported. No clinical diagnostic laboratories have submitted clinical-significance assessments for this variant to ClinVar after 2014. Based on the evidence outlined above, the variant was classified as uncertain significance.

NM_001267550.2(TTN):c.76088G>A (p.Arg25363His)

Genes: TTN-AS1 (TTN antisense RNA 1; plus strand), TTN (titin; minus strand). Cytogenetic location: 2q31.2.
Variant type: single nucleotide variant.
Coding change: c.76088G>A on transcript NM_001267550.2 (MANE Select); coding-DNA position 76088, G replaced by A.
Protein change: p.Arg25363His; replaces arginine 25363 with histidine.
Molecular consequence: missense variant.
Genome position (GRCh38, 1-based): chr2:178,570,044, C>T on the plus strand (G>A on the coding strand, the complement: TTN is on the minus strand). VCF-style: chr2-178570044-C-T. GRCh37 (hg19) VCF-style: chr2-179434771-C-T.
Other names: c.71165G>A, p.Arg23722His (NM_001256850.1); c.48893G>A, p.Arg16298His (NM_003319.4); c.68384G>A, p.Arg22795His (NM_133378.4); c.49268G>A, p.Arg16423His (NM_133432.3); c.49469G>A, p.Arg16490His (NM_133437.4); short protein forms R16298H, R16423H, R16490H, R22795H, R23722H, R25363H.
Identifiers: ClinVar variation 928719 (VCV000928719.2), dbSNP rs749274818, ClinGen allele CA1989954.